The following is an entry in ClinVar:

ClinVar aggregate classification (germline): Pathogenic (1 of 4 stars; one submission).

Conditions:
Baller-Gerold syndrome (BGS). Also called: CRANIOSYNOSTOSIS WITH RADIAL DEFECTS. Identifiers: Orphanet 1225, MedGen C0265308, MONDO:0009039, OMIM 218600.

gnomAD v4.1: 1 of 1,604,212 alleles (0.000062%); highest among the groups gnomAD compares: Admixed American, 0.0017%; no homozygotes.

Submission:

Labcorp Genetics (formerly Invitae), Labcorp
Classification: Pathogenic for Baller-Gerold syndrome. Last evaluated: 2022-07-11. Review status: criteria provided, single submitter. Criteria: Invitae Variant Classification Sherloc (09022015). Collection method: clinical testing. Allele origin: germline.
Comment: This variant has not been reported in the literature in individuals affected with RECQL4-related conditions. For these reasons, this variant has been classified as Pathogenic. The frequency data for this variant in the population databases is considered unreliable, as metrics indicate poor data quality at this position in the gnomAD database. This sequence change creates a premature translational stop signal (p.Glu630*) in the RECQL4 gene. It is expected to result in an absent or disrupted protein product. Loss-of-function variants in RECQL4 are known to be pathogenic (PMID: 12734318, 12952869).

Literature cited by the submitters: PubMed 12734318; PubMed 12952869.

NM_004260.4(RECQL4):c.1888G>T (p.Glu630Ter)

Gene: RECQL4 (RecQ like helicase 4; minus strand). Cytogenetic location: 8q24.3.
Variant type: single nucleotide variant.
Coding change: c.1888G>T on transcript NM_004260.4 (MANE Select); coding-DNA position 1888, G replaced by T.
Protein change: p.Glu630Ter; replaces glutamic acid 630 with a stop codon.
Molecular consequence: nonsense.
Genome position (GRCh38, 1-based): chr8:144,514,098, C>A on the plus strand (G>T on the coding strand, the complement: RECQL4 is on the minus strand). VCF-style: chr8-144514098-C-A. GRCh37 (hg19) VCF-style: chr8-145739482-C-A.
Other names: c.1792G>T, p.Glu598Ter (NM_001413017.1, NM_001413020.1); c.1888G>T, p.Glu630Ter (NM_001413018.1, NM_001413019.1, NM_001413036.1); c.817G>T, p.Glu273Ter (NM_001413021.1, NM_001413022.1, NM_001413023.1 and 6 more transcripts); c.1759G>T, p.Glu587Ter (NM_001413025.1); c.751G>T, p.Glu251Ter (NM_001413027.1, NM_001413030.1, NM_001413032.1 and 1 more transcripts); c.1537G>T, p.Glu513Ter (NM_001413029.1); c.619G>T, p.Glu207Ter (NM_001413031.1); c.1756G>T, p.Glu586Ter (NM_001413033.1); and 4 more; short protein forms E207*, E251*, E263*, E620*, E141*, E229*, E586*, E630*.
Identifiers: ClinVar variation 2015867 (VCV002015867.4), dbSNP rs1318489395, ClinGen allele CA372680548.
Genomic context (GRCh38, chr8:144,514,098, plus strand): 5'-TGGCAGTGCGGCGTGTGGCTGTGGCTGTGAGGCCCAGGAAGCAGTGCACGCCCATGCGCT[C>A]CCGAAGCACCTGCACCAGAGGCGGCAGTGGTGTGAGGCCGCCCAGCCCATCCCGGCCCTG-3'